The following is an entry in ClinVar:

NM_000053.4(ATP7B):c.903T>G (p.Tyr301Ter)

Gene: ATP7B (ATPase copper transporting beta; minus strand). Cytogenetic location: 13q14.3.
Variant type: single nucleotide variant.
Coding change: c.903T>G on transcript NM_000053.4 (MANE Select); coding-DNA position 903, T replaced by G.
Protein change: p.Tyr301Ter; replaces tyrosine 301 with a stop codon.
Molecular consequence: nonsense. On other transcripts: intron variant (1).
Genome position (GRCh38, 1-based): chr13:51,974,317, A>C on the plus strand (T>G on the coding strand, the complement: ATP7B is on the minus strand). VCF-style: chr13-51974317-A-C. GRCh37 (hg19) VCF-style: chr13-52548453-A-C.
Other names: c.903T>G, p.Tyr301Ter (NM_001406531.1, NM_001406532.1, NM_001406534.1 and 29 more transcripts); c.807T>G, p.Tyr269Ter (NM_001406536.1, NM_001406543.1, NM_001406544.1 and 3 more transcripts); c.802+101T>G (NM_001243182.2); short protein forms Y269*, Y301*.
Identifiers: ClinVar variation 2016465 (VCV002016465.4), dbSNP rs942967963, ClinGen allele CA388040499.

ClinVar aggregate classification (germline): Pathogenic (1 of 4 stars; one submission).

Conditions:
Wilson disease (WND). Also called: Wilson's disease. Identifiers: Orphanet 905, MedGen C0019202, MONDO:0010200, OMIM 277900. Disease mechanism: loss of function.

Submission:

Labcorp Genetics (formerly Invitae), Labcorp
Classification: Pathogenic for Wilson disease. Last evaluated: 2022-07-13. Review status: criteria provided, single submitter. Criteria: Invitae Variant Classification Sherloc (09022015). Collection method: clinical testing. Allele origin: germline.
Comment: This sequence change creates a premature translational stop signal (p.Tyr301*) in the ATP7B gene. It is expected to result in an absent or disrupted protein product. Loss-of-function variants in ATP7B are known to be pathogenic (PMID: 10441329, 16283883). This variant is not present in population databases (gnomAD no frequency). This premature translational stop signal has been observed in individual(s) with Wilson disease (PMID: 23518715). For these reasons, this variant has been classified as Pathogenic.

Literature cited by the submitters: PubMed 10441329; PubMed 16283883; PubMed 23518715.